The following is an entry in ClinVar:

ClinVar aggregate classification (germline): Uncertain significance. Review status: criteria provided, multiple submitters, no conflicts (2 of 4 stars). 2 submissions from 2 submitters: Uncertain significance (2). Last evaluated 2024-10-09.

Conditions:
NEK1-related disorder. Also called: NEK1-related condition.
Short-rib thoracic dysplasia 6 with or without polydactyly (SRTD6). Also called: SHORT-RIB THORACIC DYSPLASIA 6 WITH POLYDACTYLY; SHORT-RIB THORACIC DYSPLASIA 6 WITHOUT POLYDACTYLY; POLYDACTYLY WITH NEONATAL CHONDRODYSTROPHY, TYPE II; Majewski Syndrome; SHORT RIB-POLYDACTYLY SYNDROME, TYPE IIA. Identifiers: MedGen C0024507, MONDO:0009894, OMIM 263520.

Allele frequency attached by ClinVar (database versions not stated): gnomAD exomes below 0.00001; ExAC 0.00002; TOPMed 0.00003.
gnomAD v4.1: 4 of 1,612,242 alleles (0.00025%); highest among the groups gnomAD compares: East Asian, 0.0045%; no homozygotes.

Submissions (2):

PreventionGenetics, part of Exact Sciences
Classification: Uncertain significance for NEK1-related condition. Last evaluated: 2024-10-09. Review status: criteria provided, single submitter. Criteria: ACMG Guidelines, 2015. Collection method: clinical testing. Allele origin: germline.
Comment: The NEK1 c.2652G>A variant is predicted to result in the amino acid substitution p.Met884Ile. To our knowledge, this variant has not been reported in the literature. This variant is reported in 0.011% of alleles in individuals of East Asian descent in gnomAD. At this time, the clinical significance of this variant is uncertain due to the absence of conclusive functional and genetic evidence.

Labcorp Genetics (formerly Invitae), Labcorp
Classification: Uncertain significance for Short-rib thoracic dysplasia 6 with or without polydactyly. Last evaluated: 2024-08-22. Review status: criteria provided, single submitter. Criteria: Invitae Variant Classification Sherloc (09022015). Collection method: clinical testing. Allele origin: germline.
Comment: This sequence change replaces methionine, which is neutral and non-polar, with isoleucine, which is neutral and non-polar, at codon 884 of the NEK1 protein (p.Met884Ile). This variant is present in population databases (rs750788096, gnomAD 0.006%). This variant has not been reported in the literature in individuals affected with NEK1-related conditions. Invitae Evidence Modeling of protein sequence and biophysical properties (such as structural, functional, and spatial information, amino acid conservation, physicochemical variation, residue mobility, and thermodynamic stability) indicates that this missense variant is not expected to disrupt NEK1 protein function with a negative predictive value of 80%. In summary, the available evidence is currently insufficient to determine the role of this variant in disease. Therefore, it has been classified as a Variant of Uncertain Significance.

NM_001199397.3(NEK1):c.2736G>A (p.Met912Ile)

Gene: NEK1 (NIMA related kinase 1; minus strand). Cytogenetic location: 4q33.
Variant type: single nucleotide variant.
Coding change: c.2736G>A on transcript NM_001199397.3 (MANE Select); coding-DNA position 2736, G replaced by A.
Protein change: p.Met912Ile; replaces methionine 912 with isoleucine.
Molecular consequence: missense variant. On other transcripts: non-coding transcript variant (1), intron variant (1).
Genome position (GRCh38, 1-based): chr4:169,438,111, C>T on the plus strand (G>A on the coding strand, the complement: NEK1 is on the minus strand). VCF-style: chr4-169438111-C-T. GRCh37 (hg19) VCF-style: chr4-170359262-C-T.
Other names: c.2652G>A (NM_012224.2); c.2604G>A, p.Met868Ile (NM_001199398.3); c.2445G>A, p.Met815Ile (NM_001199399.3); c.2520G>A, p.Met840Ile (NM_001199400.3); c.2736G>A, p.Met912Ile (NM_001374418.1); c.2652G>A, p.Met884Ile (NM_001374419.1, NM_012224.4); c.2601G>A, p.Met867Ile (NM_001374420.1); c.2282-4446G>A (NM_001374421.1); short protein forms M840I, M867I, M868I, M884I, M912I, M815I.
Identifiers: ClinVar variation 2852962 (VCV002852962.4), dbSNP rs750788096, ClinGen allele CA3137346.